The following is an entry in ClinVar:

ClinVar aggregate classification (germline): Uncertain significance (1 of 4 stars; one submission).

Conditions:
Bloom syndrome (BLM). Also called: Bloom-Torre-Machacek syndrome. Identifiers: Orphanet 125, MedGen C0005859, MONDO:0008876, OMIM 210900.

Allele frequency attached by ClinVar (database versions not stated): TOPMed 0.00001; gnomAD 0.00003.
gnomAD v4.1: 32 of 1,613,916 alleles (0.002%); highest among the groups gnomAD compares: Non-Finnish European, 0.0026%; no homozygotes.

Submission:

Labcorp Genetics (formerly Invitae), Labcorp
Classification: Uncertain significance for Bloom syndrome. Last evaluated: 2025-01-14. Review status: criteria provided, single submitter. Criteria: Invitae Variant Classification Sherloc (09022015). Collection method: clinical testing. Allele origin: germline.
Comment: This sequence change replaces arginine, which is basic and polar, with glycine, which is neutral and non-polar, at codon 818 of the BLM protein (p.Arg818Gly). This variant is present in population databases (no rsID available, gnomAD 0.002%). This variant has not been reported in the literature in individuals affected with BLM-related conditions. ClinVar contains an entry for this variant (Variation ID: 524807). Invitae Evidence Modeling of protein sequence and biophysical properties (such as structural, functional, and spatial information, amino acid conservation, physicochemical variation, residue mobility, and thermodynamic stability) indicates that this missense variant is expected to disrupt BLM protein function with a positive predictive value of 80%. In summary, the available evidence is currently insufficient to determine the role of this variant in disease. Therefore, it has been classified as a Variant of Uncertain Significance.

NM_000057.4(BLM):c.2452C>G (p.Arg818Gly)

Gene: BLM (BLM RecQ like helicase; plus strand). Cytogenetic location: 15q26.1.
Variant type: single nucleotide variant.
Coding change: c.2452C>G on transcript NM_000057.4 (MANE Select); coding-DNA position 2452, C replaced by G.
Protein change: p.Arg818Gly; replaces arginine 818 with glycine.
Molecular consequence: missense variant.
Genome position (GRCh38, 1-based): chr15:90,769,483, C>G. VCF-style: chr15-90769483-C-G. GRCh37 (hg19) VCF-style: chr15-91312713-C-G.
Other names: c.2452C>G, p.Arg818Gly (NM_001287246.2, NM_001287247.2); c.1327C>G, p.Arg443Gly (NM_001287248.2); short protein forms R818G, R443G.
Identifiers: ClinVar variation 524807 (VCV000524807.7), dbSNP rs1279814185, ClinGen allele CA393845354.